The following is an entry in ClinVar:

ClinVar aggregate classification (germline): Likely benign (1 of 4 stars; one submission).

Submission:

CeGaT Center for Human Genetics Tuebingen
Classification: Likely benign. Last evaluated: 2025-07-01. Review status: criteria provided, single submitter. Criteria: CeGaT Center For Human Genetics Tuebingen Variant Classification Criteria Version 2. Collection method: clinical testing. Allele origin: germline. Affected: yes. Observed: 1 variant allele.
Comment: MUC4: BP4, BP7

NM_018406.7(MUC4):c.939T>C (p.Thr313=)

Gene: MUC4 (mucin 4, cell surface associated). Cytogenetic location: 3q29.
Variant type: single nucleotide variant.
Coding change: c.939T>C on transcript NM_018406.7 (MANE Select); coding-DNA position 939, T replaced by C.
Protein change: p.Thr313=; no amino-acid change (threonine 313 retained).
Molecular consequence: synonymous variant. On other transcripts: intron variant (2).
Genome position (GRCh38, 1-based): chr3:195,790,641, A>G on the plus strand (T>C on the coding strand, the complement: MUC4 is on the minus strand). VCF-style: chr3-195790641-A-G. GRCh37 (hg19) VCF-style: chr3-195517512-A-G.
Other names: c.83-16336T>C (NM_138297.5); c.83-12186T>C (NM_004532.6).
Identifiers: ClinVar variation 4084745 (VCV004084745.8).
Genomic context (GRCh38, chr3:195,790,641, plus strand): 5'-GGTGGTCTCCACGCTCTGAGTCTGGTGGTTCTTAGAAAAAGCTGTTGTGTCCTGAGTAGA[A>G]GTCCTTGAGAAAGTTGCTGGTGATTGTCCTTCTGGATCAAATGTTACTAAGGCTGCTGAG-3'
Protein context (NP_060876.5, residues 303-323): EGQSPATFSR[Thr313=]STQDTTAFSK